The following is an entry in ClinVar:

ClinVar aggregate classification (germline): Uncertain significance. Review status: criteria provided, multiple submitters, no conflicts (2 of 4 stars). 2 submissions from 2 submitters: Uncertain significance (2). Last evaluated 2021-08-24.

Conditions:
Primary ciliary dyskinesia. Also called: Ciliary dyskinesia. Identifiers: Orphanet 244, MedGen C0008780, MONDO:0016575, HP:0012265.

Allele frequency attached by ClinVar (database versions not stated): gnomAD exomes 0.00004 and 0.00015; ExAC 0.00005; TOPMed 0.00006; gnomAD 0.00009.
gnomAD v4.1: 245 of 1,606,092 alleles (0.015%); highest among the groups gnomAD compares: Non-Finnish European, 0.019%; no homozygotes.

Submissions (2):

Labcorp Genetics (formerly Invitae), Labcorp
Classification: Uncertain significance for Primary ciliary dyskinesia. Last evaluated: 2021-08-24. Review status: criteria provided, single submitter. Criteria: Invitae Variant Classification Sherloc (09022015). Collection method: clinical testing. Allele origin: germline.
Comment: This sequence change replaces glycine with arginine at codon 4428 of the DNAH8 protein (p.Gly4428Arg). The glycine residue is moderately conserved and there is a moderate physicochemical difference between glycine and arginine. This variant is present in population databases (rs755556134, ExAC 0.009%). This variant has not been reported in the literature in individuals affected with DNAH8-related conditions. Algorithms developed to predict the effect of missense changes on protein structure and function are either unavailable or do not agree on the potential impact of this missense change (SIFT: "Deleterious"; PolyPhen-2: "Not Available"; Align-GVGD: "Class C0"). In summary, the available evidence is currently insufficient to determine the role of this variant in disease. Therefore, it has been classified as a Variant of Uncertain Significance.

GeneDx
Classification: Uncertain significance. Last evaluated: 2019-10-25. Review status: criteria provided, single submitter. Criteria: GeneDx Variant Classification Process June 2021. Collection method: clinical testing. Allele origin: germline. Affected: yes.
Comment: Reported as a heterozygous variant in a candidate gene in a family with early-onset chronic obstructive pulmonary disease; this variant was also observed in the control group in this study (Qiao et al., 2016); In silico analysis, which includes protein predictors and evolutionary conservation, supports a deleterious effect; Variants in candidate genes are classified as variants of uncertain significance in accordance with ACMG guidelines (Richards et al., 2015); This variant is associated with the following publications: (PMID: 26736064)

NM_001206927.2(DNAH8):c.13282G>C (p.Gly4428Arg)

Gene: DNAH8 (dynein axonemal heavy chain 8; plus strand). Cytogenetic location: 6p21.2.
Variant type: single nucleotide variant.
Coding change: c.13282G>C on transcript NM_001206927.2 (MANE Select); coding-DNA position 13282, G replaced by C.
Protein change: p.Gly4428Arg; replaces glycine 4428 with arginine.
Molecular consequence: missense variant.
Genome position (GRCh38, 1-based): chr6:39,008,881, G>C. VCF-style: chr6-39008881-G-C. GRCh37 (hg19) VCF-style: chr6-38976657-G-C.
Other names: c.12631G>C, p.Gly4211Arg (NM_001371.4); short protein forms G4428R, G4211R.
Identifiers: ClinVar variation 574397 (VCV000574397.8), dbSNP rs755556134, ClinGen allele CA3791629.